The following is an entry in ClinVar:

ClinVar aggregate classification (germline): Uncertain significance. Review status: criteria provided, multiple submitters, no conflicts (2 of 4 stars). 3 submissions from 3 submitters: Uncertain significance (3). Last evaluated 2024-05-14.

Conditions:
Hereditary nonpolyposis colorectal neoplasms. Identifiers: MedGen C0009405, MeSH D003123.
Hereditary cancer-predisposing syndrome. Also called: Neoplastic Syndromes, Hereditary; Tumor predisposition; Hereditary Cancer Syndrome; Hereditary neoplastic syndrome. Identifiers: Orphanet 140162, MedGen C0027672, MeSH D009386, MONDO:0015356.

Allele frequency attached by ClinVar (database versions not stated): TOPMed below 0.00001.

Submissions (3):

Ambry Genetics
Classification: Uncertain significance for Hereditary cancer-predisposing syndrome. Last evaluated: 2024-05-14. Review status: criteria provided, single submitter. Criteria: Ambry Variant Classification Scheme 2023. Collection method: clinical testing. Allele origin: germline.
Comment: The p.G306R variant (also known as c.916G>A), located in coding exon 4 of the MSH6 gene, results from a G to A substitution at nucleotide position 916. The glycine at codon 306 is replaced by arginine, an amino acid with dissimilar properties. This amino acid position is poorly conserved in available vertebrate species. In addition, the in silico prediction for this alteration is inconclusive. Based on the available evidence, the clinical significance of this variant remains unclear.

Labcorp Genetics (formerly Invitae), Labcorp
Classification: Uncertain significance for Hereditary nonpolyposis colorectal neoplasms. Last evaluated: 2024-05-10. Review status: criteria provided, single submitter. Criteria: Invitae Variant Classification Sherloc (09022015). Collection method: clinical testing. Allele origin: germline.
Comment: This sequence change replaces glycine, which is neutral and non-polar, with arginine, which is basic and polar, at codon 306 of the MSH6 protein (p.Gly306Arg). This variant is not present in population databases (gnomAD no frequency). This variant has not been reported in the literature in individuals affected with MSH6-related conditions. ClinVar contains an entry for this variant (Variation ID: 232265). Advanced modeling of protein sequence and biophysical properties (such as structural, functional, and spatial information, amino acid conservation, physicochemical variation, residue mobility, and thermodynamic stability) performed at Invitae indicates that this missense variant is not expected to disrupt MSH6 protein function with a negative predictive value of 95%. In summary, the available evidence is currently insufficient to determine the role of this variant in disease. Therefore, it has been classified as a Variant of Uncertain Significance.

Color Diagnostics, LLC DBA Color Health
Classification: Uncertain significance for Hereditary cancer-predisposing syndrome. Last evaluated: 2024-03-06. Review status: criteria provided, single submitter. Criteria: ACMG Guidelines, 2015. Collection method: clinical testing. Allele origin: germline.
Comment: This missense variant replaces glycine with arginine at codon 306 of the MSH6 protein. Computational prediction tool suggests that this variant may not impact protein structure and function (internally defined REVEL score threshold <=0.5, PMID: 27666373). Splice site prediction tools suggest that this variant may not impact RNA splicing. To our knowledge, functional studies have not been performed for this variant. This variant has not been reported in individuals affected with hereditary cancer in the literature. This variant has not been identified in the general population by the Genome Aggregation Database (gnomAD). The available evidence is insufficient to determine the role of this variant in disease conclusively. Therefore, this variant is classified as a Variant of Uncertain Significance.

NM_000179.3(MSH6):c.916G>A (p.Gly306Arg)

Gene: MSH6 (mutS homolog 6; plus strand). Cytogenetic location: 2p16.3.
Variant type: single nucleotide variant.
Coding change: c.916G>A on transcript NM_000179.3 (MANE Select); coding-DNA position 916, G replaced by A.
Protein change: p.Gly306Arg; replaces glycine 306 with arginine.
Molecular consequence: missense variant.
Genome position (GRCh38, 1-based): chr2:47,798,899, G>A. VCF-style: chr2-47798899-G-A. GRCh37 (hg19) VCF-style: chr2-48026038-G-A.
Other names: c.526G>A, p.Gly176Arg (NM_001281492.2); c.10G>A, p.Gly4Arg (NM_001281493.2, NM_001281494.2); short protein forms G306R, G4R, G176R.
Identifiers: ClinVar variation 232265 (VCV000232265.21), dbSNP rs876659659, ClinGen allele CA10578052.